The following is an entry in ClinVar:

ClinVar aggregate classification (germline): Uncertain significance. Review status: criteria provided, multiple submitters, no conflicts (2 of 4 stars). 2 submissions from 2 submitters: Uncertain significance (2). Last evaluated 2025-09-05.

Conditions:
MHC class I deficiency. Identifiers: Orphanet 34592, MedGen C6024714, MONDO:0011476.

Allele frequency attached by ClinVar (database versions not stated): gnomAD exomes 0.00009; ESP Exome Variant Server 0.00033; ExAC 0.00011.
gnomAD v4.1: 106 of 1,596,196 alleles (0.0066%); highest among the groups gnomAD compares: African/African-American, 0.024%; no homozygotes.

Submissions (2):

Ambry Genetics
Classification: Uncertain significance. Last evaluated: 2025-09-05. Review status: criteria provided, single submitter. Criteria: Ambry Variant Classification Scheme 2023. Collection method: clinical testing. Allele origin: germline.

Labcorp Genetics (formerly Invitae), Labcorp
Classification: Uncertain significance for MHC class I deficiency 1. Last evaluated: 2025-06-27. Review status: criteria provided, single submitter. Criteria: Invitae Variant Classification Sherloc (09022015). Collection method: clinical testing. Allele origin: germline.
Comment: This sequence change replaces alanine, which is neutral and non-polar, with threonine, which is neutral and polar, at codon 305 of the TAPBP protein (p.Ala305Thr). This variant is present in population databases (rs199710908, gnomAD 0.02%). This variant has not been reported in the literature in individuals affected with TAPBP-related conditions. ClinVar contains an entry for this variant (Variation ID: 1062296). An algorithm developed to predict the effect of missense changes on protein structure and function outputs the following: PolyPhen-2: "Benign". The threonine amino acid residue is found in multiple mammalian species, which suggests that this missense change does not adversely affect protein function. In summary, the available evidence is currently insufficient to determine the role of this variant in disease. Therefore, it has been classified as a Variant of Uncertain Significance.

NM_003190.5(TAPBP):c.913G>A (p.Ala305Thr)

Gene: TAPBP (TAP binding protein; minus strand). Cytogenetic location: 6p21.32.
Variant type: single nucleotide variant.
Coding change: c.913G>A on transcript NM_003190.5 (MANE Select); coding-DNA position 913, G replaced by A.
Protein change: p.Ala305Thr; replaces alanine 305 with threonine.
Molecular consequence: missense variant.
Genome position (GRCh38, 1-based): chr6:33,304,594, C>T on the plus strand (G>A on the coding strand, the complement: TAPBP is on the minus strand). VCF-style: chr6-33304594-C-T. GRCh37 (hg19) VCF-style: chr6-33272371-C-T.
Other names: c.913G>A (NM_003190.4); c.913G>A, p.Ala305Thr (NM_172208.3); c.652G>A, p.Ala218Thr (NM_172209.3); short protein forms A218T, A305T.
Identifiers: ClinVar variation 1062296 (VCV001062296.8), dbSNP rs199710908, ClinGen allele CA3755764.
Genomic context (GRCh38, chr6:33,304,594, plus strand): 5'-CCCCAGAAGGGTAGAAGTGGGACACAAGGCAGAGCAATTCCGGGGGTGCCTCCCCTGGGG[C>T]GGCCCGTGCAAGGGTTGCTGGCATCAGGGACACTTTGGGGGGTTCTGGGGAAAGAGGACG-3'
Protein context (NP_003181.3, residues 295-315): SLMPATLARA[Ala305Thr]PGEAPPELLC